The following is an entry in ClinVar:

ClinVar aggregate classification (germline): Uncertain significance (1 of 4 stars; one submission).

Submission:

GeneDx
Classification: Uncertain significance. Last evaluated: 2024-12-26. Review status: criteria provided, single submitter. Criteria: GeneDx Variant Classification Process June 2021. Collection method: clinical testing. Allele origin: germline. Affected: yes.
Comment: Not observed at significant frequency in large population cohorts (gnomAD); Frameshift variant predicted to result in abnormal protein length as the last 103 amino acids are replaced with 105 different amino acids; Has not been previously published as pathogenic or benign to our knowledge

NM_006372.5(SYNCRIP):c.1378del (p.Tyr460fs)

Gene: SYNCRIP (synaptotagmin binding cytoplasmic RNA interacting protein; minus strand). Cytogenetic location: 6q14.3.
Variant type: Deletion.
Coding change: c.1378del on transcript NM_006372.5 (MANE Select); coding-DNA position 1378, one base deleted (T; older notation c.1378delT).
Protein change: p.Tyr460fs; shifts the reading frame from tyrosine 460.
Molecular consequence: frameshift variant.
Genome position (GRCh38, 1-based): chr6:85,615,250, A deleted on the plus strand (T on the coding strand, the reverse complement: SYNCRIP is on the minus strand); the first of 2 consecutive A bases (chr6:85,615,250-85,615,251); deleting either gives the same sequence. VCF-style (leftmost placement, unchanged base first): chr6-85615249-TA-T. GRCh37 (hg19) VCF-style: chr6-86324967-TA-T.
Other names: c.1084del, p.Tyr362fs (NM_001159673.2, NM_001410938.1); c.1273del, p.Tyr425fs (NM_001159674.2); c.1272delT, p.Tyr425Ilefs (NM_001159675.2); c.1377delT, p.Tyr460Ilefs (NM_001159676.2); c.1378del, p.Tyr460fs (NM_001159677.2); c.922del, p.Tyr308fs (NM_001253771.2); short protein forms Y308fs, Y362fs, Y425fs, Y460fs.
Identifiers: ClinVar variation 3908006 (VCV003908006.1).
Genomic context (GRCh38, chr6:85,615,249, plus strand): 5'-CCACCACGATAGTTATGGTAATCATAACCATAATAATCATAATAATCTTCATATCCATAA[TA>T]ATCTGGAGGATATCCATAACCACCTCTACCTCCACGCCCTCGACCTCTTGTTGGAGGGGG-3'